The following is an entry in ClinVar:

ClinVar aggregate classification (germline): Uncertain significance (1 of 4 stars; one submission).

Conditions:
Cenani-Lenz syndactyly syndrome. Also called: SYNDACTYLY, TYPE VII; CENANI SYNDACTYLISM. Identifiers: Orphanet 3258, MedGen C1859309, MONDO:0008931, OMIM 212780.
Sclerosteosis 2 (SOST2). Identifiers: Orphanet 3152, MedGen C3280402, MONDO:0013679, OMIM 614305.
Congenital myasthenic syndrome 17. Identifiers: Orphanet 590, MedGen C4225377, MONDO:0014578, OMIM 616304.

Allele frequency attached by ClinVar (database versions not stated): TOPMed below 0.00001; gnomAD 0.00001.
gnomAD v4.1: 5 of 1,612,982 alleles (0.00031%); highest among the groups gnomAD compares: Non-Finnish European, 0.00042%; no homozygotes.

Submission:

Labcorp Genetics (formerly Invitae), Labcorp
Classification: Uncertain significance for Cenani-Lenz syndactyly syndrome; Sclerosteosis 2; Congenital myasthenic syndrome 17. Last evaluated: 2020-12-29. Review status: criteria provided, single submitter. Criteria: Invitae Variant Classification Sherloc (09022015). Collection method: clinical testing. Allele origin: germline.
Comment: This sequence change replaces glycine with serine at codon 566 of the LRP4 protein (p.Gly566Ser). The glycine residue is highly conserved and there is a small physicochemical difference between glycine and serine. This variant is not present in population databases (ExAC no frequency). This variant has not been reported in the literature in individuals with LRP4-related conditions. Algorithms developed to predict the effect of missense changes on protein structure and function (SIFT, PolyPhen-2, Align-GVGD) all suggest that this variant is likely to be disruptive, but these predictions have not been confirmed by published functional studies and their clinical significance is uncertain. In summary, the available evidence is currently insufficient to determine the role of this variant in disease. Therefore, it has been classified as a Variant of Uncertain Significance.

NM_002334.4(LRP4):c.1696G>A (p.Gly566Ser)

Gene: LRP4 (LDL receptor related protein 4; minus strand). Cytogenetic location: 11p11.2.
Variant type: single nucleotide variant.
Coding change: c.1696G>A on transcript NM_002334.4 (MANE Select); coding-DNA position 1696, G replaced by A.
Protein change: p.Gly566Ser; replaces glycine 566 with serine.
Molecular consequence: missense variant.
Genome position (GRCh38, 1-based): chr11:46,892,974, C>T on the plus strand (G>A on the coding strand, the complement: LRP4 is on the minus strand). VCF-style: chr11-46892974-C-T. GRCh37 (hg19) VCF-style: chr11-46914525-C-T.
Other names: short protein forms G566S.
Identifiers: ClinVar variation 1504061 (VCV001504061.8), dbSNP rs1941453950, ClinGen allele CA380283864.